The following is an entry in ClinVar:

ClinVar aggregate classification (germline): Uncertain significance (1 of 4 stars; one submission).

Submission:

Labcorp Genetics (formerly Invitae), Labcorp
Classification: Uncertain significance. Last evaluated: 2025-12-24. Review status: criteria provided, single submitter. Criteria: Invitae Variant Classification Sherloc (09022015). Collection method: clinical testing. Allele origin: germline.
Comment: This sequence change replaces aspartic acid, which is acidic and polar, with tyrosine, which is neutral and polar, at codon 833 of the TNNI3K protein (p.Asp833Tyr). Information on the frequency of this variant in the gnomAD database is not available, as this variant may be reported differently in the database. This variant has not been reported in the literature in individuals affected with TNNI3K-related conditions. ClinVar contains an entry for this variant (Variation ID: 1476302). Experimental studies and prediction algorithms are not available or were not evaluated, and the functional significance of this variant is currently unknown. In summary, the available evidence is currently insufficient to determine the role of this variant in disease. Therefore, it has been classified as a Variant of Uncertain Significance.

NM_015978.3(TNNI3K):c.2496_2497delinsAT (p.Asp833Tyr)

Genes: FPGT-TNNI3K (FPGT-TNNI3K readthrough; plus strand), TNNI3K (TNNI3 interacting kinase; plus strand). Cytogenetic location: 1p31.1.
Variant type: Indel.
Coding change: c.2496_2497delinsAT on transcript NM_015978.3 (MANE Select); coding-DNA positions 2496 to 2497, GG replaced by AT.
Protein change: p.Asp833Tyr; replaces aspartic acid 833 with tyrosine.
Molecular consequence: missense variant.
Genome position (GRCh38, 1-based): chr1:74,543,970-74,543,971, GG replaced by AT. VCF-style: chr1-74543970-GG-AT. GRCh37 (hg19) VCF-style: chr1-75009654-GG-AT.
Other names: c.2799_2800delinsAT, p.Asp934Tyr (NM_001112808.3); short protein forms D833Y, D934Y.
Identifiers: ClinVar variation 1476302 (VCV001476302.6), dbSNP rs2100472586, ClinGen allele CA2573132597.